The following is an entry in ClinVar:

ClinVar aggregate classification (germline): Uncertain significance (1 of 4 stars; one submission).

Allele frequency attached by ClinVar (database versions not stated): gnomAD 0.00002 and 0.00003; ExAC 0.00004; gnomAD exomes 0.00004.
gnomAD v4.1: 79 of 1,604,642 alleles (0.0049%); highest among the groups gnomAD compares: Non-Finnish European, 0.0064%; no homozygotes.

Submission:

Labcorp Genetics (formerly Invitae), Labcorp
Classification: Uncertain significance. Last evaluated: 2024-02-23. Review status: criteria provided, single submitter. Criteria: Invitae Variant Classification Sherloc (09022015). Collection method: clinical testing. Allele origin: germline.
Comment: This sequence change replaces alanine, which is neutral and non-polar, with proline, which is neutral and non-polar, at codon 693 of the OBSL1 protein (p.Ala693Pro). This variant is present in population databases (rs774620411, gnomAD 0.009%). This variant has not been reported in the literature in individuals affected with OBSL1-related conditions. ClinVar contains an entry for this variant (Variation ID: 1484211). An algorithm developed to predict the effect of missense changes on protein structure and function (PolyPhen-2) suggests that this variant is likely to be disruptive. In summary, the available evidence is currently insufficient to determine the role of this variant in disease. Therefore, it has been classified as a Variant of Uncertain Significance.

NM_015311.3(OBSL1):c.2077G>C (p.Ala693Pro)

Gene: OBSL1 (obscurin like cytoskeletal adaptor 1; minus strand). Cytogenetic location: 2q35.
Variant type: single nucleotide variant.
Coding change: c.2077G>C on transcript NM_015311.3 (MANE Select); coding-DNA position 2077, G replaced by C.
Protein change: p.Ala693Pro; replaces alanine 693 with proline.
Molecular consequence: missense variant.
Genome position (GRCh38, 1-based): chr2:219,566,887, C>G on the plus strand (G>C on the coding strand, the complement: OBSL1 is on the minus strand). VCF-style: chr2-219566887-C-G. GRCh37 (hg19) VCF-style: chr2-220431609-C-G.
Other names: c.2077G>C, p.Ala693Pro (NM_001173408.2, NM_001173431.2); short protein forms A693P.
Identifiers: ClinVar variation 1484211 (VCV001484211.7), dbSNP rs774620411, ClinGen allele CA2131340.